The following is an entry in ClinVar:

ClinVar aggregate classification (germline): Uncertain significance (1 of 4 stars; one submission).

Submission:

Labcorp Genetics (formerly Invitae), Labcorp
Classification: Uncertain significance. Last evaluated: 2025-05-19. Review status: criteria provided, single submitter. Criteria: Invitae Variant Classification Sherloc (09022015). Collection method: clinical testing. Allele origin: germline.
Comment: This sequence change replaces valine, which is neutral and non-polar, with leucine, which is neutral and non-polar, at codon 169 of the TRAP1 protein (p.Val169Leu). This variant is not present in population databases (gnomAD no frequency). This variant has not been reported in the literature in individuals affected with TRAP1-related conditions. ClinVar contains an entry for this variant (Variation ID: 2123655). Invitae Evidence Modeling of protein sequence and biophysical properties (such as structural, functional, and spatial information, amino acid conservation, physicochemical variation, residue mobility, and thermodynamic stability) indicates that this missense variant is not expected to disrupt TRAP1 protein function with a negative predictive value of 80%. In summary, the available evidence is currently insufficient to determine the role of this variant in disease. Therefore, it has been classified as a Variant of Uncertain Significance.

NM_016292.3(TRAP1):c.505G>C (p.Val169Leu)

Gene: TRAP1 (TNF receptor associated protein 1; minus strand). Cytogenetic location: 16p13.3.
Variant type: single nucleotide variant.
Coding change: c.505G>C on transcript NM_016292.3 (MANE Select); coding-DNA position 505, G replaced by C.
Protein change: p.Val169Leu; replaces valine 169 with leucine.
Molecular consequence: missense variant.
Genome position (GRCh38, 1-based): chr16:3,679,757, C>G on the plus strand (G>C on the coding strand, the complement: TRAP1 is on the minus strand). VCF-style: chr16-3679757-C-G. GRCh37 (hg19) VCF-style: chr16-3729758-C-G.
Other names: c.346G>C, p.Val116Leu (NM_001272049.2); short protein forms V116L, V169L.
Identifiers: ClinVar variation 2123655 (VCV002123655.4), dbSNP rs1308423833, ClinGen allele CA394571236.